The following is an entry in ClinVar:

ClinVar aggregate classification (germline): Uncertain significance (1 of 4 stars; one submission).

gnomAD v4.1: 1 of 1,614,164 alleles (0.000062%); highest among the groups gnomAD compares: African/African-American, 0.0013%; no homozygotes.

Submission:

Ambry Genetics
Classification: Uncertain significance. Last evaluated: 2025-05-17. Review status: criteria provided, single submitter. Criteria: Ambry Variant Classification Scheme 2023. Collection method: clinical testing. Allele origin: germline.
Comment: The p.G162E variant (also known as c.485G>A), located in coding exon 1 of the CDK12 gene, results from a G to A substitution at nucleotide position 485. The glycine at codon 162 is replaced by glutamic acid, an amino acid with similar properties. This amino acid position is conserved. In addition, this alteration is predicted to be tolerated by in silico analysis. Based on the available evidence, the clinical significance of this variant remains unclear.

NM_016507.4(CDK12):c.485G>A (p.Gly162Glu)

Genes: CDK12 (cyclin dependent kinase 12; plus strand), LOC126862553 (CDK7 strongly-dependent group 2 enhancer GRCh37_chr17:37618166-37619365; plus strand). Cytogenetic location: 17q12.
Variant type: single nucleotide variant.
Coding change: c.485G>A on transcript NM_016507.4 (MANE Select); coding-DNA position 485, G replaced by A.
Protein change: p.Gly162Glu; replaces glycine 162 with glutamic acid.
Molecular consequence: missense variant.
Genome position (GRCh38, 1-based): chr17:39,462,556, G>A. VCF-style: chr17-39462556-G-A. GRCh37 (hg19) VCF-style: chr17-37618809-G-A.
Other names: c.485G>A, p.Gly162Glu (NM_015083.4); short protein forms G162E.
Identifiers: ClinVar variation 3999467 (VCV003999467.1).